The following is an entry in ClinVar:

ClinVar aggregate classification (germline): Likely pathogenic (1 of 4 stars; one submission).

Submission:

GeneDx
Classification: Likely pathogenic. Last evaluated: 2026-08-20. Review status: criteria provided, single submitter. Criteria: GeneDx Variant Classification Process June 2021. Collection method: clinical testing. Allele origin: germline.
Comment: Not observed at significant frequency in large population cohorts (gnomAD); In silico analysis supports that this missense variant has a deleterious effect on protein structure/function; Has not been previously published as pathogenic or benign to our knowledge

NM_000193.4(SHH):c.1055G>T (p.Gly352Val)

Gene: SHH (sonic hedgehog signaling molecule; minus strand). Cytogenetic location: 7q36.3.
Variant type: single nucleotide variant.
Coding change: c.1055G>T on transcript NM_000193.4 (MANE Select); coding-DNA position 1055, G replaced by T.
Protein change: p.Gly352Val; replaces glycine 352 with valine.
Molecular consequence: missense variant. On other transcripts: intron variant (1).
Genome position (GRCh38, 1-based): chr7:155,803,234, C>A on the plus strand (G>T on the coding strand, the complement: SHH is on the minus strand). VCF-style: chr7-155803234-C-A. GRCh37 (hg19) VCF-style: chr7-155595928-C-A.
Other names: c.302-2989G>T (NM_001310462.2); short protein forms G352V.
Identifiers: ClinVar variation 3253511 (VCV003253511.2), dbSNP rs2535892639.